The following is an entry in ClinVar:

ClinVar aggregate classification (germline): Uncertain significance (1 of 4 stars; one submission).

Conditions:
Familial hemophagocytic lymphohistiocytosis 3 (FHL3). Also called: UNC13D-Related Familial Hemophagocytic Lymphohistiocytosis (UNC13D-fHLH). Identifiers: Orphanet 540, MedGen C1837174, MONDO:0012146, OMIM 608898.

Allele frequency attached by ClinVar (database versions not stated): gnomAD 0.00001; TOPMed 0.00002; gnomAD exomes 0.00003.
gnomAD v4.1: 45 of 1,578,332 alleles (0.0029%); highest among the groups gnomAD compares: Non-Finnish European, 0.0037%; no homozygotes.

Submission:

Labcorp Genetics (formerly Invitae), Labcorp
Classification: Uncertain significance for Familial hemophagocytic lymphohistiocytosis 3. Last evaluated: 2022-05-25. Review status: criteria provided, single submitter. Criteria: Invitae Variant Classification Sherloc (09022015). Collection method: clinical testing. Allele origin: germline.
Comment: This sequence change falls in intron 25 of the UNC13D gene. It does not directly change the encoded amino acid sequence of the UNC13D protein. It affects a nucleotide within the consensus splice site. This variant is present in population databases (no rsID available, gnomAD 0.002%). This variant has not been reported in the literature in individuals affected with UNC13D-related conditions. Variants that disrupt the consensus splice site are a relatively common cause of aberrant splicing (PMID: 17576681, 9536098). Algorithms developed to predict the effect of sequence changes on RNA splicing suggest that this variant is not likely to affect RNA splicing. In summary, the available evidence is currently insufficient to determine the role of this variant in disease. Therefore, it has been classified as a Variant of Uncertain Significance.

Literature cited by the submitters: PubMed 17576681; PubMed 9536098.

NM_199242.3(UNC13D):c.2447+5G>A

Gene: UNC13D (unc-13 homolog D; minus strand). Cytogenetic location: 17q25.1.
Variant type: single nucleotide variant.
Coding change: c.2447+5G>A on transcript NM_199242.3 (MANE Select); 5 bases into the intron after coding-DNA position 2447, G replaced by A.
Molecular consequence: intron variant.
Genome position (GRCh38, 1-based): chr17:75,832,961, C>T on the plus strand (G>A on the coding strand, the complement: UNC13D is on the minus strand). VCF-style: chr17-75832961-C-T. GRCh37 (hg19) VCF-style: chr17-73829042-C-T.
Identifiers: ClinVar variation 1928827 (VCV001928827.2), dbSNP rs1057051362, ClinGen allele CA294085931.
Genomic context (GRCh38, chr17:75,832,961, plus strand): 5'-AAGGAGGGGCCGTGGGAGGAGAGGGGGAGGTGGCGAGCGCGCCCAGGGCAGGGGCTGCTA[C>T]AGACCTGCTGAAGTTCTCCTGCACCAAGTTGGTGTTCATGTAGCAAAGCTCCACCTCCAG-3'